The following is an entry in ClinVar:

ClinVar aggregate classification (germline): Likely benign (1 of 4 stars; one submission).

Allele frequency attached by ClinVar (database versions not stated): ESP Exome Variant Server 0.00021.
gnomAD v4.1: 20 of 1,187,064 alleles (0.0017%); highest among the groups gnomAD compares: African/African-American, 0.0071%; no homozygotes.

Submission:

CeGaT Center for Human Genetics Tuebingen
Classification: Likely benign. Last evaluated: 2024-01-01. Review status: criteria provided, single submitter. Criteria: CeGaT Center For Human Genetics Tuebingen Variant Classification Criteria Version 2. Collection method: clinical testing. Allele origin: germline. Affected: yes. Observed: 1 variant allele.
Comment: NRK: BP4, BS2

NM_198465.4(NRK):c.4675C>T (p.Arg1559Cys)

Gene: NRK (Nik related kinase; plus strand). Cytogenetic location: Xq22.3.
Variant type: single nucleotide variant.
Coding change: c.4675C>T on transcript NM_198465.4 (MANE Select); coding-DNA position 4675, C replaced by T.
Protein change: p.Arg1559Cys; replaces arginine 1559 with cysteine.
Molecular consequence: missense variant.
Genome position (GRCh38, 1-based): chrX:105,955,526, C>T. VCF-style: chrX-105955526-C-T. GRCh37 (hg19) VCF-style: chrX-105199518-C-T.
Other names: short protein forms R1559C.
Identifiers: ClinVar variation 3025528 (VCV003025528.22), dbSNP rs201279660, ClinGen allele CA10481605.